The following is an entry in ClinVar:

NM_138711.6(PPARG):c.359A>G (p.His120Arg)

Gene: PPARG (peroxisome proliferator activated receptor gamma; plus strand). Cytogenetic location: 3p25.2.
Variant type: single nucleotide variant.
Coding change: c.359A>G on transcript NM_138711.6 (MANE Select); coding-DNA position 359, A replaced by G.
Protein change: p.His120Arg; replaces histidine 120 with arginine.
Molecular consequence: missense variant. On other transcripts: 5 prime UTR variant (1).
Genome position (GRCh38, 1-based): chr3:12,381,460, A>G. VCF-style: chr3-12381460-A-G. GRCh37 (hg19) VCF-style: chr3-12422959-A-G.
Other names: c.365A>G, p.His122Arg (NM_001374266.1, NM_001354670.2); c.359A>G, p.His120Arg (NM_005037.7, NM_138712.5, NM_001330615.4 and 6 more transcripts); c.449A>G, p.His150Arg (NM_015869.5, NM_001354668.2, NM_001374265.1); c.-69A>G (NM_001354669.2); short protein forms H120R, H150R, H122R.
Identifiers: ClinVar variation 2780019 (VCV002780019.3), dbSNP rs2470896320, ClinGen allele CA351618152.

ClinVar aggregate classification (germline): Uncertain significance (1 of 4 stars; one submission).

Submission:

Labcorp Genetics (formerly Invitae), Labcorp
Classification: Uncertain significance. Last evaluated: 2023-11-19. Review status: criteria provided, single submitter. Criteria: Invitae Variant Classification Sherloc (09022015). Collection method: clinical testing. Allele origin: germline.
Comment: This sequence change replaces histidine, which is basic and polar, with arginine, which is basic and polar, at codon 150 of the PPARG protein (p.His150Arg). This variant is not present in population databases (gnomAD no frequency). This missense change has been observed in individual(s) with partial lipodystrophy (PMID: 33832869). This variant is also known as p.H122R. Advanced modeling of protein sequence and biophysical properties (such as structural, functional, and spatial information, amino acid conservation, physicochemical variation, residue mobility, and thermodynamic stability) has been performed at Invitae for this missense variant, however the output from this modeling did not meet the statistical confidence thresholds required to predict the impact of this variant on PPARG protein function. In summary, the available evidence is currently insufficient to determine the role of this variant in disease. Therefore, it has been classified as a Variant of Uncertain Significance.

Literature cited by the submitters: PubMed 33832869.